The following is an entry in ClinVar:

ClinVar aggregate classification (germline): Uncertain significance. Review status: criteria provided, multiple submitters, no conflicts (2 of 4 stars). 2 submissions from 2 submitters: Uncertain significance (2). Last evaluated 2025-09-17.

Conditions:
Cardiovascular phenotype. Identifiers: MedGen CN230736.
Myofibrillar myopathy 6. Identifiers: Orphanet 199340, MedGen C2751831, MONDO:0013061, OMIM 612954.
Dilated cardiomyopathy 1HH (CMD1HH). Identifiers: Orphanet 154, MedGen C3151293, MONDO:0013479, OMIM 613881.

Allele frequency attached by ClinVar (database versions not stated): gnomAD exomes below 0.00001; TOPMed 0.00001.
gnomAD v4.1: 1 of 1,554,538 alleles (0.000064%); highest among the groups gnomAD compares: Non-Finnish European, 0.000087%; no homozygotes.

Submissions (2):

Labcorp Genetics (formerly Invitae), Labcorp
Classification: Uncertain significance for Dilated cardiomyopathy 1HH; Myofibrillar myopathy 6. Last evaluated: 2025-09-17. Review status: criteria provided, single submitter. Criteria: Invitae Variant Classification Sherloc (09022015). Collection method: clinical testing. Allele origin: germline.
Comment: This sequence change falls in intron 1 of the BAG3 gene. It does not directly change the encoded amino acid sequence of the BAG3 protein. It affects a nucleotide within the consensus splice site. This variant is not present in population databases (gnomAD no frequency). This variant has not been reported in the literature in individuals affected with BAG3-related conditions. ClinVar contains an entry for this variant (Variation ID: 952651). Variants that disrupt the consensus splice site are a relatively common cause of aberrant splicing (PMID: 17576681, 9536098). Algorithms developed to predict the effect of sequence changes on RNA splicing suggest that this variant may disrupt the consensus splice site. In summary, the available evidence is currently insufficient to determine the role of this variant in disease. Therefore, it has been classified as a Variant of Uncertain Significance.

Ambry Genetics
Classification: Uncertain significance for Cardiovascular phenotype. Last evaluated: 2025-03-05. Review status: criteria provided, single submitter. Criteria: Ambry Variant Classification Scheme 2023. Collection method: clinical testing. Allele origin: germline.
Comment: The c.180+5G>C intronic variant results from a G to C substitution 5 nucleotides after coding exon 1 in the BAG3 gene. This nucleotide position is well conserved in available vertebrate species. In silico splice site analysis predicts that this alteration may result in the creation or strengthening of a novel splice donor site. Based on the available evidence, the clinical significance of this variant remains unclear.

Literature cited by the submitters: PubMed 17576681 (cited by Labcorp Genetics (formerly Invitae), Labcorp); PubMed 9536098 (cited by Labcorp Genetics (formerly Invitae), Labcorp).

NM_004281.4(BAG3):c.180+5G>C

Gene: BAG3 (BAG cochaperone 3; plus strand). Cytogenetic location: 10q26.11.
Variant type: single nucleotide variant.
Coding change: c.180+5G>C on transcript NM_004281.4 (MANE Select); 5 bases into the intron after coding-DNA position 180, G replaced by C.
Molecular consequence: intron variant.
Genome position (GRCh38, 1-based): chr10:119,651,860, G>C. VCF-style: chr10-119651860-G-C. GRCh37 (hg19) VCF-style: chr10-121411372-G-C.
Identifiers: ClinVar variation 952651 (VCV000952651.8), dbSNP rs1435201335, ClinGen allele CA660669374.